The following continues an entry in ClinVar:

NM_005609.4(PYGM):c.148C>T (p.Arg50Ter)

Gene: PYGM. ClinVar aggregate classification (germline): Pathogenic/Likely pathogenic. Pathogenic (34); Likely pathogenic (1).

Submissions 12 to 25 of 45:

Clinical Genetics Laboratory, University Hospital Schleswig-Holstein
Classification: Pathogenic for Glycogen storage disease, type V. Last evaluated: 2025-03-25. Review status: criteria provided, single submitter. Criteria: ACMG Guidelines, 2015. Collection method: clinical testing. Allele origin: germline. Affected: yes. Observed: 1 heterozygote, 1 homozygote.
Comment: ACMG criteria applied: PM2, PS4, PP3, PP1_Moderate, PP4

ARUP Laboratories, Molecular Genetics and Genomics, ARUP Laboratories
Classification: Pathogenic for Glycogen storage disease, type V. Last evaluated: 2024-12-23. Review status: criteria provided, single submitter. Criteria: ARUP Molecular Germline Variant Investigation Process 2024. Collection method: clinical testing. Allele origin: germline.
Comment: The PYGM c.148C>T; p.Arg50Ter variant (rs116987552, ClinVar Variation ID: 2298), also known as R49X in traditional nomenclature, is reported in the literature in individuals affected with McArdle disease and is the most common pathogenic variant in individuals of European descent (selected references: Gurgel-Giannetti 2013, Martin 2006, Tsujino 1993). This variant is found in the general population with an overall allele frequency of 0.15% (424/282854 alleles) in the Genome Aggregation Database (v2.1.1). This variant induces an early termination codon and is predicted to result in a truncated protein or mRNA subject to nonsense-mediated decay. Additionally, a knock-in mouse model demonstrates a McArdle disease like phenotype. (Nogales-Gadea 2012). Based on available information, this variant is considered to be pathogenic. References: Gurgel-Giannetti J et al. Clinical and molecular characterization of McArdle's disease in Brazilian patients. Neuromolecular Med. 2013 Sep;15(3):470-5. PMID: 23653251. Martin MA et al. Glycogen Storage Disease Type V. 2006 Apr 19 [updated 2019 Jun 20]. In: Adam MP, Feldman J, Mirzaa GM, Pagon RA, Wallace SE, Bean LJH, Gripp KW, Amemiya A, editors. GeneReviewsÂ® [Internet]. Seattle (WA): University of Washington, Seattle; 1993â€“2024. PMID: 20301518. Nogales-Gadea G et al. Knock-in mice for the R50X mutation in the PYGM gene present with McArdle disease. Brain. 2012 Jul;135(Pt 7):2048-57. PMID: 22730558. Tsujino S et al. Molecular genetic heterogeneity of myophosphorylase deficiency (McArdle's disease). N Engl J Med. 1993 Jul 22;329(4):241-5. PMID: 8316268.

Blueprint Genetics
Classification: Pathogenic for PYGM-related disorders. Last evaluated: 2024-11-14. Review status: criteria provided, single submitter. Criteria: ACMG Guidelines, 2015. Collection method: clinical testing. Allele origin: germline. Affected: yes. Observed: 5 variant alleles.

Fulgent Genetics
Classification: Pathogenic for Glycogen storage disease, type V. Last evaluated: 2024-05-05. Review status: criteria provided, single submitter. Criteria: ACMG Guidelines, 2015. Collection method: clinical testing. Allele origin: germline.

Clinical Genetics Laboratory, Skane University Hospital Lund
Classification: Pathogenic. Last evaluated: 2023-12-13. Review status: criteria provided, single submitter. Criteria: ACMG Guidelines, 2015. Collection method: clinical testing. Allele origin: germline. Affected: yes.

Institute of Immunology and Genetics Kaiserslautern
Classification: Pathogenic for Glycogen storage disease, type V. Last evaluated: 2023-07-19. Review status: criteria provided, single submitter. Criteria: ACMG Guidelines, 2015. Collection method: clinical testing. Allele origin: paternal. Affected: yes.
Comment: ACMG Criteria: PVS1, PS3, PS4, PM3, PP1, PP5; Variant was found in compound heterozygous state with NM_005609.4:c.1477del.

Mayo Clinic Laboratories, Mayo Clinic
Classification: Pathogenic. Last evaluated: 2023-07-13. Review status: criteria provided, single submitter. Criteria: ACMG Guidelines, 2015. Collection method: clinical testing. Allele origin: germline. Observed: 11 variant alleles.

Women's Health and Genetics/Laboratory Corporation of America, LabCorp
Classification: Pathogenic for Glycogen storage disease, type V. Last evaluated: 2023-06-22. Review status: criteria provided, single submitter. Criteria: LabCorp Variant Classification Summary - May 2015. Collection method: clinical testing. Allele origin: germline.
Comment: Variant summary: PYGM c.148C>T (p.Arg50X) results in a premature termination codon, predicted to cause absence of the protein due to nonsense mediated decay, which is a commonly known mechanism for disease. The variant allele was found at a frequency of 0.0015 in 251452 control chromosomes in gnomAD. This frequency is not significantly higher than estimated for a pathogenic variant in PYGM causing Glycogen Storage Disease Type V, also known as McArdle disease, (0.0015 vs 0.0035), allowing no conclusion about variant significance. c.148C>T has been reported in the literature in individuals affected with Glycogen Storage Disease Type V (example: Cerino_2022). These data indicate that the variant is very likely associated with disease. The following publication have been ascertained in the context of this evaluation (PMID: 35741838). Twenty submitters have cited clinical-significance assessments (all pathogenic) for this variant to ClinVar after 2014. Based on the evidence outlined above, the variant was classified as pathogenic.

Institute of Human Genetics, Clinical Exome/Genome Diagnostics Group, University Hospital Bonn
Classification: Pathogenic for Glycogen storage disease, type V. Last evaluated: 2023-02-01. Review status: criteria provided, single submitter. Criteria: ACMG Guidelines, 2015. Collection method: clinical testing. Allele origin: germline. Affected: yes.

Institute of Human Genetics Munich, TUM University Hospital
Classification: Likely pathogenic for Glycogen storage disease, type V. Last evaluated: 2022-08-24. Review status: criteria provided, single submitter. Criteria: Classification criteria August 2017. Collection method: clinical testing. Allele origin: inherited. Inheritance: Autosomal recessive inheritance. Affected: yes. Observed: 1 variant allele.

Molecular Genetics, Royal Melbourne Hospital
Classification: Pathogenic for Glycogen storage disease, type V. Last evaluated: 2022-04-22. Review status: criteria provided, single submitter. Criteria: ACMG Guidelines, 2015. Collection method: clinical testing. Allele origin: germline. Affected: yes.
Comment: This sequence change creates a premature termination codon at position 50 in exon 1 (of 20) of PYGM, p.(Arg50*). This alteration is expected to result in nonsense-mediated decay in a gene where loss of function is a known mechanism of disease. The variant is present in a large population cohort at a frequency of 0.15% (rs116987552, 424/282,854 alleles, 0 homozygotes in gnomAD v2.1), and is the most common pathogenic variant associated with glycogen storage disease type V (also known as McArdle disease) in the European population. The variant has been identified as homozygous and compound heterozygous with a second pathogenic allele in many cases with a clinical diagnosis of McArdle disease (PMID: 8316268). Based on the classification scheme RMH ACMG Guidelines v1.2.1, this variant is classified as PATHOGENIC. Following criteria are met: PVS1, PM3_VeryStrong.

Dasa
Classification: Pathogenic for Glycogen storage disease, type V. Last evaluated: 2022-03-05. Review status: criteria provided, single submitter. Criteria: ACMG Guidelines, 2015. Collection method: clinical testing. Allele origin: germline. Affected: yes. Observed: 2 variant alleles.
Comment: The c.148C>T;p.(Arg50*) variant creates a premature translational stop signal in the PYGM gene. It is expected to result in an absent or disrupted protein product - PVS1. This sequence change has been observed in affected individual(s) and ClinVar contains an entry for this variant (ClinVar ID: 2298; PMID: 20301518; PMID: 23653251; PMID: 17324573; PMID: 12929201; PMID:20301518) - PS4. The variant is present at low allele frequencies population databases (rs116987552 – gnomAD 0.01499%; ABraOM 0.001708 frequency) - PM2_supporting. The p.(Arg50*) was detected in trans with a pathogenic variant (PMID: 23653251; PMID: 17324573) - PM3. In summary, the currently available evidence indicates that the variant is pathogenic.

Genetics and Molecular Pathology, SA Pathology
Classification: Pathogenic for Glycogen storage disease, type V. Last evaluated: 2021-12-06. Review status: criteria provided, single submitter. Criteria: ACMG Guidelines, 2015. Collection method: clinical testing. Allele origin: germline. Inheritance: Autosomal recessive inheritance. Affected: yes.
Comment: The PYGM c.148C>T variant is classified as Pathogenic (PVS1, PS3, PS4, PM3) The PYGM c.148C>T variant is a single nucleotide change which is predicted to result in premature termination of the protein product at codon 50 (PVS1). The variant has been reported in probands with a clinical presentation of OMIM:232600 ( Reported multiple times in OMIM:608455 ) (PS4). Well-established functional studies show a deleterious effect of this variant ( Nogales-Gadea (2012) PubMed: 22730558 Knock-in mice for the R50X mutation in the PYGM gene present with McArdle disease ) (PS3). This variant has been detected in trans with a pathogenic variant for this recessive condition (PM3). The variant has been reported in dbSNP (rs116987552) and in the HGMD database: CM930629. It has been reported as Pathogenic by other diagnostic laboratories (ClinVar Variation ID: 2298).

MGZ Medical Genetics Center
Classification: Pathogenic for Glycogen storage disease, type V. Last evaluated: 2021-10-13. Review status: criteria provided, single submitter. Criteria: ACMG Guidelines, 2015. Collection method: clinical testing. Allele origin: germline. Affected: yes. Observed: 2 variant alleles.
Comment: ACMG criteria applied: PVS1_STR, PS3, PS4_MOD, PM3, PP1